The following is an entry in ClinVar:

NM_025179.4(PLXNA2):c.1084G>A (p.Ala362Thr)

Gene: PLXNA2 (plexin A2; minus strand). Cytogenetic location: 1q32.2.
Variant type: single nucleotide variant.
Coding change: c.1084G>A on transcript NM_025179.4 (MANE Select); coding-DNA position 1084, G replaced by A.
Protein change: p.Ala362Thr; replaces alanine 362 with threonine.
Molecular consequence: missense variant.
Genome position (GRCh38, 1-based): chr1:208,216,839, C>T on the plus strand (G>A on the coding strand, the complement: PLXNA2 is on the minus strand). VCF-style: chr1-208216839-C-T. GRCh37 (hg19) VCF-style: chr1-208390184-C-T.
Other names: short protein forms A362T.
Identifiers: ClinVar variation 4996648 (VCV004996648.1).

ClinVar aggregate classification (germline): Uncertain significance (1 of 4 stars; one submission).

Conditions:
PLXNA2-related disorder. Also called: PLXNA2-related condition.

Submission:

PreventionGenetics, part of Exact Sciences
Classification: Uncertain significance for PLXNA2-related condition. Last evaluated: 2026-09-17. Review status: criteria provided, single submitter. Criteria: ACMG Guidelines, 2015. Collection method: clinical testing. Allele origin: germline.
Comment: The PLXNA2 c.1084G>A variant is predicted to result in the amino acid substitution p.Ala362Thr. To our knowledge, this variant has not been reported in the literature or in a large population database (gnomAD), indicating this variant is rare. At this time, the clinical significance of this variant is uncertain due to the absence of conclusive functional and genetic evidence.